The following is an entry in ClinVar:

ClinVar aggregate classification (germline): Uncertain significance. Review status: criteria provided, multiple submitters, no conflicts (2 of 4 stars). 3 submissions from 3 submitters: Uncertain significance (3). Last evaluated 2025-07-30.

Conditions:
Telangiectasia, hereditary hemorrhagic, type 2 (HHT2). Also called: ACVRL1-Related Hereditary Hemorrhagic Telangiectasia; Telangiectasia, hereditary hemorrhagic, type II. Identifiers: Orphanet 774, MedGen C1838163, MONDO:0010880, OMIM 600376. Disease mechanism: loss of function.
Cardiovascular phenotype. Identifiers: MedGen CN230736.

Submissions (3):

ARUP Laboratories, Molecular Genetics and Genomics, ARUP Laboratories
Classification: Uncertain significance for Telangiectasia, hereditary hemorrhagic, type 2. Last evaluated: 2025-07-30. Review status: criteria provided, single submitter. Criteria: ARUP Molecular Germline Variant Investigation Process 2024. Collection method: clinical testing. Allele origin: germline.
Comment: The ACVRL1 c.704A>G; p.Asp235Gly variant (rs2540162721), to our knowledge, is not reported in the medical literature but is reported in ClinVar (Variation ID: 1756868). This variant is also absent from the Genome Aggregation Database (v2.1.1), indicating it is not a common polymorphism. Computational analyses predict that this variant is deleterious (REVEL: 0.687). Due to limited information, the clinical significance of this variant is uncertain at this time. References: N/A

Labcorp Genetics (formerly Invitae), Labcorp
Classification: Uncertain significance for Telangiectasia, hereditary hemorrhagic, type 2. Last evaluated: 2024-06-03. Review status: criteria provided, single submitter. Criteria: Invitae Variant Classification Sherloc (09022015). Collection method: clinical testing. Allele origin: germline.
Comment: This sequence change replaces aspartic acid, which is acidic and polar, with glycine, which is neutral and non-polar, at codon 235 of the ACVRL1 protein (p.Asp235Gly). This variant is not present in population databases (gnomAD no frequency). This variant has not been reported in the literature in individuals affected with ACVRL1-related conditions. ClinVar contains an entry for this variant (Variation ID: 1756868). Advanced modeling of protein sequence and biophysical properties (such as structural, functional, and spatial information, amino acid conservation, physicochemical variation, residue mobility, and thermodynamic stability) performed at Invitae indicates that this missense variant is expected to disrupt ACVRL1 protein function with a positive predictive value of 95%. In summary, the available evidence is currently insufficient to determine the role of this variant in disease. Therefore, it has been classified as a Variant of Uncertain Significance.

Ambry Genetics
Classification: Uncertain significance for Cardiovascular phenotype. Last evaluated: 2014-08-15. Review status: criteria provided, single submitter. Criteria: Ambry Variant Classification Scheme 2023. Collection method: clinical testing. Allele origin: germline.
Comment: The p.D235G variant (also known as c.704A>G), located in coding exon 5 of the ACVRL1 gene, results from an A to G substitution at nucleotide position 704. The aspartic acid at codon 235 is replaced by glycine, an amino acid with similar properties. This variant was not reported in population based cohorts in the following databases: Database of Single Nucleotide Polymorphisms (dbSNP) and 1000 Genomes Project. In the ESP, this variant was not observed in 6503 samples (13006 alleles) with coverage at this position. This amino acid position is well conserved in available vertebrate species. In addition, this alteration is predicted to be deleterious by in silico analysis. Since supporting evidence is limited at this time, the clinical significance of this variant remains unclear.

NM_000020.3(ACVRL1):c.704A>G (p.Asp235Gly)

Gene: ACVRL1 (activin A receptor like type 1; plus strand). Cytogenetic location: 12q13.13.
Variant type: single nucleotide variant.
Coding change: c.704A>G on transcript NM_000020.3 (MANE Select); coding-DNA position 704, A replaced by G.
Protein change: p.Asp235Gly; replaces aspartic acid 235 with glycine.
Molecular consequence: missense variant.
Genome position (GRCh38, 1-based): chr12:51,914,517, A>G. VCF-style: chr12-51914517-A-G. GRCh37 (hg19) VCF-style: chr12-52308301-A-G.
Other names: c.704A>G, p.Asp235Gly (NM_001077401.2, NM_001406487.1, NM_001406488.1 and 1 more transcripts); c.392A>G, p.Asp131Gly (NM_001406490.1, NM_001406491.1, NM_001406492.1 and 2 more transcripts); c.140A>G, p.Asp47Gly (NM_001406495.1); short protein forms D131G, D235G, D47G.
Identifiers: ClinVar variation 1756868 (VCV001756868.5), dbSNP rs2540162721, ClinGen allele CA384900114.